The following is an entry in ClinVar:

NM_021930.6(RINT1):c.1700T>C (p.Leu567Pro)

Gene: RINT1 (RAD50 interactor 1; plus strand). Cytogenetic location: 7q22.3.
Variant type: single nucleotide variant.
Coding change: c.1700T>C on transcript NM_021930.6 (MANE Select); coding-DNA position 1700, T replaced by C.
Protein change: p.Leu567Pro; replaces leucine 567 with proline.
Molecular consequence: missense variant. On other transcripts: non-coding transcript variant (1).
Genome position (GRCh38, 1-based): chr7:105,563,761, T>C. VCF-style: chr7-105563761-T-C. GRCh37 (hg19) VCF-style: chr7-105204208-T-C.
Other names: c.1466T>C, p.Leu489Pro (NM_001346599.2); c.677T>C, p.Leu226Pro (NM_001346600.2, NM_001346603.2); c.776T>C, p.Leu259Pro (NM_001346601.2); short protein forms L226P, L489P, L259P, L567P.
Identifiers: ClinVar variation 658756 (VCV000658756.11), dbSNP rs769903060, ClinGen allele CA4426758.
Genomic context (GRCh38, chr7:105,563,761, plus strand): 5'-ATGCTAATGTGTTAACATGTTTTTGCTTTCAGTTCTTTCTACAACTTCAACAGGCTGCAC[T>C]GGAGGTGTTTGCAGAGAATAATACTCTGAGTAAATTGCAGCTAGGACAGCTAGCCTCTAT-3'
Protein context (NP_068749.3, residues 557-577): VFFLQLQQAA[Leu567Pro]EVFAENNTLS

ClinVar aggregate classification (germline): Uncertain significance. Review status: criteria provided, multiple submitters, no conflicts (2 of 4 stars). 2 submissions from 2 submitters: Uncertain significance (2). Last evaluated 2022-07-30.

Allele frequency attached by ClinVar (database versions not stated): TOPMed below 0.00001; ExAC 0.00001; gnomAD exomes 0.00001.

Submissions (2):

Ambry Genetics
Classification: Uncertain significance. Last evaluated: 2022-07-30. Review status: criteria provided, single submitter. Criteria: Ambry Variant Classification Scheme 2023. Collection method: clinical testing. Allele origin: germline.
Comment: The p.L567P variant (also known as c.1700T>C), located in coding exon 12 of the RINT1 gene, results from a T to C substitution at nucleotide position 1700. The leucine at codon 567 is replaced by proline, an amino acid with similar properties. This amino acid position is conserved. In addition, the in silico prediction for this alteration is inconclusive. Since supporting evidence is limited at this time, the clinical significance of this alteration remains unclear.

Labcorp Genetics (formerly Invitae), Labcorp
Classification: Uncertain significance. Last evaluated: 2018-12-03. Review status: criteria provided, single submitter. Criteria: Invitae Variant Classification Sherloc (09022015). Collection method: clinical testing. Allele origin: germline.
Comment: In summary, the available evidence is currently insufficient to determine the role of this variant in disease. Therefore, it has been classified as a Variant of Uncertain Significance. Algorithms developed to predict the effect of missense changes on protein structure and function are either unavailable or do not agree on the potential impact of this missense change (SIFT: "Deleterious"; PolyPhen-2: "Probably Damaging"; Align-GVGD: "Class C0"). This variant has not been reported in the literature in individuals with RINT1-related conditions. This variant is present in population databases (rs769903060, ExAC 0.002%). This sequence change replaces leucine with proline at codon 567 of the RINT1 protein (p.Leu567Pro). The leucine residue is highly conserved and there is a moderate physicochemical difference between leucine and proline.